The following is an entry in ClinVar:

ClinVar aggregate classification (germline): Pathogenic/Likely pathogenic. Review status: criteria provided, multiple submitters, no conflicts (2 of 4 stars). 9 submissions from 9 submitters: Pathogenic (6); Likely pathogenic (2). 1 of the submissions does not count toward it. Last evaluated 2026-08-27.

Conditions:
AP4B1-related disorder. Also called: AP4B1-related condition.
Hereditary spastic paraplegia 47. Also called: Spastic paraplegia 47, autosomal recessive; CEREBRAL PALSY, SPASTIC QUADRIPLEGIC, 5; adaptor protein 4 (AP-4) deficiency syndrome. Identifiers: Orphanet 280763, MedGen C3279738, MONDO:0013551, OMIM 614066.
Spastic paraplegia. Identifiers: MedGen C0037772, HP:0001258.

Allele frequency attached by ClinVar (database versions not stated): ExAC 0.00002; TOPMed 0.00002; gnomAD exomes 0.00004.

Submissions (9):

GeneDx
Classification: Pathogenic. Last evaluated: 2026-08-27. Review status: criteria provided, single submitter. Criteria: GeneDx Variant Classification Process June 2021. Collection method: clinical testing. Allele origin: germline.
Comment: Nonsense variant predicted to result in protein truncation or nonsense mediated decay in a gene for which loss of function is a known mechanism of disease; This variant is associated with the following publications: (PMID: 32979048, 33177673, 40498122)

Dasa
Classification: Pathogenic. Last evaluated: 2026-02-12. Review status: criteria provided, single submitter. Criteria: DASA Assertion Criteria. Collection method: clinical testing. Allele origin: germline.
Comment: NM_001253852.3(AP4B1):c.1557T>A (p.Tyr519*) introduces a premature termination codon predicted to result in loss of normal protein function. Loss-of-function is an established mechanism of disease for this gene. This variant has been observed in affected individuals with related phenotype in a genotype context consistent with recessive disease (PMID: 33177673). This variant has been reported in individuals with related phenotype (PMID: 33177673). The variant is present at low frequency in population datasets. Based on the available data, this variant is classified as pathogenic.

OLLIN Analises Genomicas, OLLIN
Classification: Pathogenic for Hereditary spastic paraplegia 47. Last evaluated: 2026-01-09. Review status: criteria provided, single submitter. Criteria: ACMG Guidelines 2015 PMID 25741868. Collection method: clinical testing. Allele origin: germline. Affected: yes. Observed: 1 variant allele.
Comment: The nonsense variant (chr1:113895992A>T), located in exon 9 (of 10), is reported in ClinVar (VCV000623700.51) and gnomAD v4.1 non-UKB with an allele frequency of 0.0029%. However, to our knowledge, this variant has not been reported in the scientific literature. This variant introduces a premature stop codon, resulting in a truncated protein or mRNA degradation via nonsense-mediated decay (NMD). According to currently available evidence, this variant has been classified as pathogenic (PVS1, PM2_P, PM3).

Labcorp Genetics (formerly Invitae), Labcorp
Classification: Pathogenic for Hereditary spastic paraplegia 47. Last evaluated: 2025-12-23. Review status: criteria provided, single submitter. Criteria: Invitae Variant Classification Sherloc (09022015). Collection method: clinical testing. Allele origin: germline.
Comment: This sequence change creates a premature translational stop signal (p.Tyr519*) in the AP4B1 gene. It is expected to result in an absent or disrupted protein product. Loss-of-function variants in AP4B1 are known to be pathogenic (PMID: 22290197, 24700674, 24781758). This variant is present in population databases (rs529495094, gnomAD 0.03%). This variant has not been reported in the literature in individuals affected with AP4B1-related conditions. ClinVar contains an entry for this variant (Variation ID: 623700). For these reasons, this variant has been classified as Pathogenic.

Variantyx, Inc.
Classification: Likely pathogenic for Hereditary spastic paraplegia 47. Last evaluated: 2025-03-26. Review status: criteria provided, single submitter. Criteria: Variantyx Assertion Criteria 2022. Collection method: clinical testing. Allele origin: maternal. Inheritance: Autosomal recessive inheritance. Affected: no.
Comment: Pathogenic variants in this gene have been associated with autosomal recessive spastic paraplegia 47. This variant introduces a premature termination codon in exon 9 out of 10 and is expected to result in loss of function, which is a known disease mechanism for AP4B1 in this disorder (PMID: 21620353, 22290197, 24700674, 29193663) (PVS1). This variant has been reported in the homozygous or compound heterozygous state in at least 2 unrelated affected individuals (PMID: 33177673, 32979048) (PM3). The variant has a 0.026% maximum allele frequency in non-founder control populations, which is lower than expected for the prevalence of this disorder (PM2_Supporting). Based on the current evidence, this variant is classified as pathogenic for autosomal recessive spastic paraplegia 47.

PreventionGenetics, part of Exact Sciences
Classification: Pathogenic for AP4B1-related condition. Last evaluated: 2023-01-17. Review status: criteria provided, single submitter. Criteria: ACMG Guidelines, 2015. Collection method: clinical testing. Allele origin: germline.
Comment: The AP4B1 c.1557T>A variant is predicted to result in premature protein termination (p.Tyr519*). This variant has been reported as pathogenic for spastic paraplegia (Ebrahimi-Fakhari et al. 2020. PubMed ID: 32979048; Rosello et al. 2020. PubMed ID: 33177673). This variant is reported in 0.026% of alleles in individuals of Latino descent in gnomAD. Nonsense variants in AP4B1 are expected to be pathogenic. This variant is interpreted as pathogenic.

Mendelics
Classification: Pathogenic for Hereditary spastic paraplegia 47. Last evaluated: 2022-05-04. Review status: criteria provided, single submitter. Criteria: Mendelics Assertion Criteria 2019. Collection method: clinical testing. Allele origin: germline.

CeGaT Center for Human Genetics Tuebingen
Classification: Likely pathogenic. Last evaluated: 2018-06-01. Review status: criteria provided, single submitter. Criteria: CeGaT Center For Human Genetics Tuebingen Variant Classification Criteria Version 2. Collection method: clinical testing. Allele origin: germline. Affected: yes. Observed: 2 variant alleles.

Yale Center for Mendelian Genomics, Yale University
Classification: Likely pathogenic for Spastic paraplegia. Last evaluated: 2020-10-01. Review status: no assertion criteria provided. Collection method: literature only. Allele origin: germline. Affected: yes. Observed: 1 compound heterozygote, 1 homozygote. Study: Yale Center for Mendelian Genomics. Not counted in ClinVar's aggregate classification.

Literature cited by the submitters: PubMed 33177673 (cited by Dasa and Variantyx, Inc.); PubMed 22290197 (cited by Labcorp Genetics (formerly Invitae), Labcorp and Variantyx, Inc.); PubMed 24700674 (cited by Labcorp Genetics (formerly Invitae), Labcorp and Variantyx, Inc.); PubMed 24781758 (cited by Labcorp Genetics (formerly Invitae), Labcorp); PubMed 21620353 (cited by Variantyx, Inc.); PubMed 29193663 (cited by Variantyx, Inc.); PubMed 32979048 (cited by Variantyx, Inc. and Yale Center for Mendelian Genomics, Yale University).

NM_001253852.3(AP4B1):c.1557T>A (p.Tyr519Ter)

Genes: AP4B1 (adaptor related protein complex 4 subunit beta 1; minus strand), AP4B1-AS1 (AP4B1 antisense RNA 1; plus strand). Cytogenetic location: 1p13.2.
Variant type: single nucleotide variant.
Coding change: c.1557T>A on transcript NM_001253852.3 (MANE Select); coding-DNA position 1557, T replaced by A.
Protein change: p.Tyr519Ter; replaces tyrosine 519 with a stop codon.
Molecular consequence: nonsense.
Genome position (GRCh38, 1-based): chr1:113,895,992, A>T on the plus strand (T>A on the coding strand, the complement: AP4B1 is on the minus strand). VCF-style: chr1-113895992-A-T. GRCh37 (hg19) VCF-style: chr1-114438614-A-T.
Other names: c.1260T>A, p.Tyr420Ter (NM_001253853.3); c.1053T>A, p.Tyr351Ter (NM_001308312.2); c.1557T>A, p.Tyr519Ter (NM_006594.5); c.1557T>A (NM_006594.4); short protein forms Y519*, Y420*, Y351*.
Identifiers: ClinVar variation 623700 (VCV000623700.59), dbSNP rs529495094, ClinGen allele CA1015756.